The following is an entry in ClinVar:

NC_000023.10:g.(?_31341695)_(32305838_?)del

Gene: DMD (dystrophin; minus strand). Cytogenetic location: Xp21.2-21.1.
Variant type: Deletion.
Identifiers: ClinVar variation 1453285 (VCV001453285.6).

ClinVar aggregate classification (germline): Pathogenic (1 of 4 stars; one submission).

Conditions:
Duchenne muscular dystrophy (DMD). Also called: Duchenne Muscular Dystrophy (DMD); MUSCULAR DYSTROPHY, PSEUDOHYPERTROPHIC PROGRESSIVE, DUCHENNE TYPE. Identifiers: Orphanet 98896, MedGen C0013264, MONDO:0010679, OMIM 310200.

Submission:

Labcorp Genetics (formerly Invitae), Labcorp
Classification: Pathogenic for Duchenne muscular dystrophy. Last evaluated: 2022-06-09. Review status: criteria provided, single submitter. Criteria: Invitae Variant Classification Sherloc (09022015). Collection method: clinical testing. Allele origin: germline.
Comment: This variant is a gross deletion of the genomic region encompassing exon(s) 43-62 of the DMD gene. This deletion is out-of-frame, and is expected to create a premature termination codon and result in an absent or disrupted protein product. Loss-of-function variants in DMD are known to be pathogenic (PMID: 16770791, 25007885). This variant has not been reported in the literature in individuals affected with DMD-related conditions. For these reasons, this variant has been classified as Pathogenic.

Literature cited by the submitters: PubMed 16770791; PubMed 25007885.